The following is an entry in ClinVar:

ClinVar aggregate classification (germline): Pathogenic (1 of 4 stars; one submission).

Submission:

Baylor Genetics
Classification: Pathogenic. Last evaluated: 2018-11-01. Review status: criteria provided, single submitter. Criteria: ACMG CNV Guidelines, 2011. Collection method: clinical testing. Allele origin: de novo. Affected: yes. Observed: 1 variant allele.
Comment: Duplications involving this region have been previously reported in patients with developmental delay (PMID: 16879197)

GRCh37/hg19 Yp11.32-q11.221(chrY:588444-19565713)

Genes: AMELY (amelogenin Y-linked; minus strand), DDX3Y (DEAD-box helicase 3 Y-linked; plus strand), FAM197Y1P (family with sequence similarity 197 Y-linked member 1, pseudogene), FAM197Y9 (family with sequence similarity 197 Y-linked member 9; minus strand), NLGN4Y (neuroligin 4 Y-linked; plus strand) and 38 more. Cytogenetic location: Yp11.32-q11.221.
Variant type: copy number gain.
Identifiers: ClinVar variation 625647 (VCV000625647.1).